The following is an entry in ClinVar:

NM_004655.4(AXIN2):c.2445A>C (p.Gly815=)

Gene: AXIN2 (axin 2; minus strand). Cytogenetic location: 17q24.1.
Variant type: single nucleotide variant.
Coding change: c.2445A>C on transcript NM_004655.4 (MANE Select); coding-DNA position 2445, A replaced by C.
Protein change: p.Gly815=; no amino-acid change (glycine 815 retained).
Molecular consequence: synonymous variant.
Genome position (GRCh38, 1-based): chr17:65,530,063, T>G on the plus strand (A>C on the coding strand, the complement: AXIN2 is on the minus strand). VCF-style: chr17-65530063-T-G. GRCh37 (hg19) VCF-style: chr17-63526181-T-G.
Other names: c.2250A>C, p.Gly750= (NM_001363813.1); c.2445A>C (LRG_296t1).
Identifiers: ClinVar variation 464613 (VCV000464613.15), dbSNP rs1359075414, ClinGen allele CA501475739.

ClinVar aggregate classification (germline): Benign/Likely benign. Review status: criteria provided, multiple submitters, no conflicts (2 of 4 stars). 3 submissions from 3 submitters: Benign (1); Likely benign (2). Last evaluated 2026-01-30.

Conditions:
Hereditary cancer-predisposing syndrome. Also called: Neoplastic Syndromes, Hereditary; Tumor predisposition; Hereditary Cancer Syndrome; Hereditary neoplastic syndrome. Identifiers: Orphanet 140162, MedGen C0027672, MeSH D009386, MONDO:0015356.
Oligodontia-cancer predisposition syndrome. Also called: TOOTH AGENESIS-COLORECTAL CANCER SYNDROME. Identifiers: Orphanet 300576, MedGen C1837750, MONDO:0012075, OMIM 608615. Disease mechanism: loss of function.

Allele frequency attached by ClinVar (database versions not stated): gnomAD exomes below 0.00001; gnomAD 0.00001; TOPMed 0.00001.
gnomAD v4.1: 3 of 1,613,984 alleles (0.00019%); highest among the groups gnomAD compares: Non-Finnish European, 0.00025%; no homozygotes.

Submissions (3):

Labcorp Genetics (formerly Invitae), Labcorp
Classification: Likely benign for Oligodontia-cancer predisposition syndrome. Last evaluated: 2026-01-30. Review status: criteria provided, single submitter. Criteria: Invitae Variant Classification Sherloc (09022015). Collection method: clinical testing. Allele origin: germline.

Myriad Genetics, Inc.
Classification: Benign for Oligodontia-cancer predisposition syndrome. Last evaluated: 2024-07-11. Review status: criteria provided, single submitter. Criteria: Myriad Autosomal Dominant, Autosomal Recessive and X-Linked Classification Criteria (2023). Collection method: clinical testing. Allele origin: unknown.
Comment: This variant is considered benign. This variant is a silent/synonymous amino acid change and it is not expected to impact splicing.

Ambry Genetics
Classification: Likely benign for Hereditary cancer-predisposing syndrome. Last evaluated: 2021-03-06. Review status: criteria provided, single submitter. Criteria: Ambry Variant Classification Scheme 2023. Collection method: clinical testing. Allele origin: germline.